The following is an entry in ClinVar:

NM_005529.7(HSPG2):c.5015-1G>A

Gene: HSPG2 (heparan sulfate proteoglycan 2; minus strand). Cytogenetic location: 1p36.12.
Variant type: single nucleotide variant.
Coding change: c.5015-1G>A on transcript NM_005529.7 (MANE Select); the canonical splice acceptor site of the intron before coding-DNA position 5015, G replaced by A.
Molecular consequence: splice acceptor variant.
Genome position (GRCh38, 1-based): chr1:21,860,003, C>T on the plus strand (G>A on the coding strand, the complement: HSPG2 is on the minus strand). VCF-style: chr1-21860003-C-T. GRCh37 (hg19) VCF-style: chr1-22186496-C-T.
Other names: c.5018-1G>A (NM_001291860.2).
Identifiers: ClinVar variation 4081448 (VCV004081448.2).

ClinVar aggregate classification (germline): Likely pathogenic. Review status: criteria provided, multiple submitters, no conflicts (2 of 4 stars). 2 submissions from 2 submitters: Likely pathogenic (2). Last evaluated 2025-07-25.

Conditions:
Lethal Kniest-like syndrome (DDSH). Also called: Dyssegmental Dysplasia. Identifiers: Orphanet 1865, MedGen C1857100, MONDO:0009140, OMIM 224410.
Schwartz-Jampel syndrome type 1 (SJS1). Also called: MYOTONIC MYOPATHY, DWARFISM, CHONDRODYSTROPHY, AND OCULAR AND FACIAL ABNORMALITIES; CHONDRODYSTROPHIC MYOTONIA. Identifiers: MedGen C4551479, MONDO:0100435, OMIM 255800.

Submissions (2):

Diagnostics Services (NGS), CSIR - Centre For Cellular And Molecular Biology
Classification: Likely pathogenic for Schwartz-Jampel syndrome type 1; Lethal Kniest-like syndrome. Last evaluated: 2025-07-25. Review status: criteria provided, single submitter. Criteria: ACMG Guidelines, 2015. Collection method: clinical testing. Allele origin: germline. Affected: no. Observed: 2 variant alleles, 2 heterozygotes.
Comment: The c.5015-1G>A variant is not present in publicly available population databases like 1000 Genomes, EVS, gnomAD, Indian Exome Database or our internal database. This variant has neither been published in the literature for HSPG2-related conditions nor reported to clinical databases like Human Genome Mutation Database (HGMD), ClinVar or OMIM in any affected individuals. Algorithms developed to predict the effect of sequence changes on RNA splicing suggest that this variant can disrupt the consensus splice site. In-silico pathogenicity prediction programs like HSF3.1, MutationTaster2021, CADD, Varsome etc predicted this variant to be likely deleterious however these predictions were not confirmed by published translational studies. This variant was identified in a couple as a part of couple carrier screening.

Revvity Omics, Revvity
Classification: Likely pathogenic. Last evaluated: 2024-01-17. Review status: criteria provided, single submitter. Criteria: ACMG Guidelines, 2015. Collection method: clinical testing. Allele origin: germline.